The following is an entry in ClinVar:

NM_006567.5(FARS2):c.131A>G (p.Gln44Arg)

Genes: FARS2 (phenylalanyl-tRNA synthetase 2, mitochondrial; plus strand), LOC126859565 (CDK7 strongly-dependent group 2 enhancer GRCh37_chr6:5368745-5369944; plus strand). Cytogenetic location: 6p25.1.
Variant type: single nucleotide variant.
Coding change: c.131A>G on transcript NM_006567.5 (MANE Select); coding-DNA position 131, A replaced by G.
Protein change: p.Gln44Arg; replaces glutamine 44 with arginine.
Molecular consequence: missense variant. On other transcripts: intron variant (2).
Genome position (GRCh38, 1-based): chr6:5,368,701, A>G. VCF-style: chr6-5368701-A-G. GRCh37 (hg19) VCF-style: chr6-5368934-A-G.
Other names: c.131A>G, p.Gln44Arg (NM_001318872.2, NM_001374875.1, NM_001374876.1 and 5 more transcripts); c.-340-27932A>G (NM_001375260.1); c.-84-35841A>G (NM_001375259.1); short protein forms Q44R.
Identifiers: ClinVar variation 1396251 (VCV001396251.8), dbSNP rs1453046888, ClinGen allele CA362734620.
Genomic context (GRCh38, chr6:5,368,701, plus strand): 5'-CCAGAGGCCATCAGCACCAGGCCTGGGGATCGAGGCCTCCTGCAGCAGAGTGTGCCACCC[A>G]AAGAGCTCCAGGCAGTGTGGTGGAGCTGCTGGGCAAATCCTACCCTCAGGACGACCACAG-3'
Protein context (NP_006558.1, residues 34-54): SRPPAAECAT[Gln44Arg]RAPGSVVELL

ClinVar aggregate classification (germline): Uncertain significance (1 of 4 stars; one submission).

Conditions:
Combined oxidative phosphorylation defect type 14. Also called: Combined oxidative phosphorylation deficiency 14. Identifiers: Orphanet 319519, MedGen C4755312, MONDO:0013986, OMIM 614946.

Allele frequency attached by ClinVar (database versions not stated): TOPMed below 0.00001.

Submission:

Labcorp Genetics (formerly Invitae), Labcorp
Classification: Uncertain significance for Combined oxidative phosphorylation defect type 14. Last evaluated: 2024-12-02. Review status: criteria provided, single submitter. Criteria: Invitae Variant Classification Sherloc (09022015). Collection method: clinical testing. Allele origin: germline.
Comment: This sequence change replaces glutamine, which is neutral and polar, with arginine, which is basic and polar, at codon 44 of the FARS2 protein (p.Gln44Arg). This variant is present in population databases (no rsID available, gnomAD 0.007%). This variant has not been reported in the literature in individuals affected with FARS2-related conditions. ClinVar contains an entry for this variant (Variation ID: 1396251). Invitae Evidence Modeling of protein sequence and biophysical properties (such as structural, functional, and spatial information, amino acid conservation, physicochemical variation, residue mobility, and thermodynamic stability) indicates that this missense variant is not expected to disrupt FARS2 protein function with a negative predictive value of 95%. In summary, the available evidence is currently insufficient to determine the role of this variant in disease. Therefore, it has been classified as a Variant of Uncertain Significance.